The following is an entry in ClinVar:

NM_001199107.2(TBC1D24):c.1384G>A (p.Glu462Lys)

Gene: TBC1D24 (TBC1 domain family member 24; plus strand). Cytogenetic location: 16p13.3.
Variant type: single nucleotide variant.
Coding change: c.1384G>A on transcript NM_001199107.2 (MANE Select); coding-DNA position 1384, G replaced by A.
Protein change: p.Glu462Lys; replaces glutamic acid 462 with lysine.
Molecular consequence: missense variant.
Genome position (GRCh38, 1-based): chr16:2,500,349, G>A. VCF-style: chr16-2500349-G-A. GRCh37 (hg19) VCF-style: chr16-2550350-G-A.
Other names: c.1366G>A, p.Glu456Lys (NM_020705.3); short protein forms E462K, E456K.
Identifiers: ClinVar variation 954076 (VCV000954076.13), dbSNP rs368678094, ClinGen allele CA7844280.

ClinVar aggregate classification (germline): Uncertain significance. Review status: criteria provided, multiple submitters, no conflicts (2 of 4 stars). 3 submissions from 3 submitters: Uncertain significance (3). Last evaluated 2025-10-03.

Conditions:
Developmental and epileptic encephalopathy, 1 (DEE1). Also called: X-linked infantile spasms; West's syndrome; Tonic spasms with clustering, arrest of psychomotor development and hypsarrhythmia on EEG; X-Linked Infantile Spasm Syndrome; OHTAHARA SYNDROME, X-LINKED; Epileptic encephalopathy, early infantile, 1. Identifiers: MedGen C3463992, MONDO:0010632, OMIM 308350. Disease mechanism: loss of function.
Autosomal dominant nonsyndromic hearing loss 65. Also called: Deafness, autosomal dominant 65; TBC1D24-Related Autosomal Dominant Nonsyndromic Hearing Loss (DFNA). Identifiers: Orphanet 90635, MedGen C3892048, MONDO:0014470, OMIM 616044.
TBC1D24-related disorder. Also called: TBC1D24-related condition; TBC1D24-related disorders. Identifiers: MedGen CN381194.

Allele frequency attached by ClinVar (database versions not stated): gnomAD 0.00003 and 0.00004; ESP Exome Variant Server 0.00016; gnomAD exomes 0.00003; ExAC 0.00005; TOPMed 0.00009.
gnomAD v4.1: 27 of 1,610,194 alleles (0.0017%); highest among the groups gnomAD compares: African/African-American, 0.024%; no homozygotes.

Submissions (3):

Labcorp Genetics (formerly Invitae), Labcorp
Classification: Uncertain significance for Developmental and epileptic encephalopathy, 1; Autosomal dominant nonsyndromic hearing loss 65. Last evaluated: 2025-10-03. Review status: criteria provided, single submitter. Criteria: Invitae Variant Classification Sherloc (09022015). Collection method: clinical testing. Allele origin: germline.
Comment: This sequence change replaces glutamic acid, which is acidic and polar, with lysine, which is basic and polar, at codon 462 of the TBC1D24 protein (p.Glu462Lys). This variant is present in population databases (rs368678094, gnomAD 0.04%). This variant has not been reported in the literature in individuals affected with TBC1D24-related conditions. ClinVar contains an entry for this variant (Variation ID: 954076). Invitae Evidence Modeling of protein sequence and biophysical properties (such as structural, functional, and spatial information, amino acid conservation, physicochemical variation, residue mobility, and thermodynamic stability) indicates that this missense variant is not expected to disrupt TBC1D24 protein function with a negative predictive value of 80%. In summary, the available evidence is currently insufficient to determine the role of this variant in disease. Therefore, it has been classified as a Variant of Uncertain Significance.

PreventionGenetics, part of Exact Sciences
Classification: Uncertain significance for TBC1D24-related condition. Last evaluated: 2023-07-12. Review status: criteria provided, single submitter. Criteria: ACMG Guidelines, 2015. Collection method: clinical testing. Allele origin: germline.
Comment: The TBC1D24 c.1384G>A variant is predicted to result in the amino acid substitution p.Glu462Lys. To our knowledge, this variant has not been reported in the literature. This variant is reported in 0.050% of alleles in individuals of African descent in gnomAD. At this time, the clinical significance of this variant is uncertain due to the absence of conclusive functional and genetic evidence.

GeneDx
Classification: Uncertain significance. Last evaluated: 2021-04-26. Review status: criteria provided, single submitter. Criteria: GeneDx Variant Classification Process June 2021. Collection method: clinical testing. Allele origin: germline. Affected: yes.
Comment: Reported as a known variant in a study of individuals with DOORS syndrome; however no additional information was provided (Campeau et al., 2014); In silico analysis, which includes protein predictors and evolutionary conservation, supports that this variant does not alter protein structure/function; This variant is associated with the following publications: (PMID: 24291220)